The following is an entry in ClinVar:

ClinVar aggregate classification (germline): Uncertain significance. Review status: criteria provided, multiple submitters, no conflicts (2 of 4 stars). 2 submissions from 2 submitters: Uncertain significance (2). Last evaluated 2019-02-25.

Conditions:
Fanconi anemia complementation group O. Also called: RAD51C-Related Fanconi Anemia. Identifiers: Orphanet 84, MedGen C3150653, MONDO:0013248, OMIM 613390.
Hereditary cancer-predisposing syndrome. Also called: Hereditary Cancer Syndrome; Tumor predisposition; Neoplastic Syndromes, Hereditary; Hereditary neoplastic syndrome. Identifiers: Orphanet 140162, MedGen C0027672, MeSH D009386, MONDO:0015356.

Submissions (2):

Color Diagnostics, LLC DBA Color Health
Classification: Uncertain significance for Hereditary cancer-predisposing syndrome. Last evaluated: 2019-02-25. Review status: criteria provided, single submitter. Criteria: ACMG Guidelines, 2015. Collection method: clinical testing. Allele origin: germline.

Labcorp Genetics (formerly Invitae), Labcorp
Classification: Uncertain significance for Fanconi anemia complementation group O. Last evaluated: 2018-11-27. Review status: criteria provided, single submitter. Criteria: Invitae Variant Classification Sherloc (09022015). Collection method: clinical testing. Allele origin: germline.
Comment: This sequence change falls in intron 3 of the RAD51C gene. It does not directly change the encoded amino acid sequence of the RAD51C protein, but it affects a nucleotide within the consensus splice site of the intron. This variant is not present in population databases (ExAC no frequency). This variant has not been reported in the literature in individuals with RAD51C-related disease. Nucleotide substitutions within the consensus splice site are a relatively common cause of aberrant splicing (PMID: 17576681, 9536098). Algorithms developed to predict the effect of sequence changes on RNA splicing suggest that this variant may create or strengthen a splice site, but this prediction has not been confirmed by published transcriptional studies. In summary, the available evidence is currently insufficient to determine the role of this variant in disease. Therefore, it has been classified as a Variant of Uncertain Significance.

Literature cited by the submitters: PubMed 17576681 (cited by Labcorp Genetics (formerly Invitae), Labcorp); PubMed 9536098 (cited by Labcorp Genetics (formerly Invitae), Labcorp).

NM_058216.3(RAD51C):c.571+6T>G

Gene: RAD51C (RAD51 paralog C; plus strand). Cytogenetic location: 17q22.
Variant type: single nucleotide variant.
Coding change: c.571+6T>G on transcript NM_058216.3 (MANE Select); 6 bases into the intron after coding-DNA position 571, T replaced by G.
Molecular consequence: intron variant.
Genome position (GRCh38, 1-based): chr17:58,696,865, T>G. VCF-style: chr17-58696865-T-G. GRCh37 (hg19) VCF-style: chr17-56774226-T-G.
Identifiers: ClinVar variation 647312 (VCV000647312.11), dbSNP rs1598461030, ClinGen allele CA913188853.